The following is an entry in ClinVar:

ClinVar aggregate classification (germline): Benign/Likely benign. Review status: criteria provided, multiple submitters, no conflicts (2 of 4 stars). 2 submissions from 2 submitters: Benign (1); Likely benign (1). Last evaluated 2024-10-08.

Conditions:
Hereditary cancer-predisposing syndrome. Also called: Tumor predisposition; Hereditary Cancer Syndrome; Hereditary neoplastic syndrome; Neoplastic Syndromes, Hereditary. Identifiers: Orphanet 140162, MedGen C0027672, MeSH D009386, MONDO:0015356.
Familial cancer of breast. Also called: BREAST CANCER, FAMILIAL; Hereditary breast cancer; hereditary breast carcinoma. Identifiers: Orphanet 227535, MedGen C0346153, MONDO:0016419, OMIM 114480. Disease mechanism: loss of function.

Submissions (2):

Myriad Genetics, Inc.
Classification: Benign for Familial cancer of breast. Last evaluated: 2024-10-08. Review status: criteria provided, single submitter. Criteria: Myriad Autosomal Dominant, Autosomal Recessive and X-Linked Classification Criteria (2023). Collection method: clinical testing. Allele origin: unknown.
Comment: This variant is considered benign. This variant is a silent/synonymous amino acid change and it is not expected to impact splicing.

Ambry Genetics
Classification: Likely benign for Hereditary cancer-predisposing syndrome. Last evaluated: 2014-10-09. Review status: criteria provided, single submitter. Criteria: Ambry Variant Classification Scheme 2023. Collection method: clinical testing. Allele origin: germline.

NM_007194.4(CHEK2):c.1377T>A (p.Ala459=)

Gene: CHEK2 (checkpoint kinase 2; minus strand). Cytogenetic location: 22q12.1.
Variant type: single nucleotide variant.
Coding change: c.1377T>A on transcript NM_007194.4 (MANE Select); coding-DNA position 1377, T replaced by A.
Protein change: p.Ala459=; no amino-acid change (alanine 459 retained).
Molecular consequence: synonymous variant.
Genome position (GRCh38, 1-based): chr22:28,694,116, A>T on the plus strand (T>A on the coding strand, the complement: CHEK2 is on the minus strand). VCF-style: chr22-28694116-A-T. GRCh37 (hg19) VCF-style: chr22-29090104-A-T.
Other names: c.1506T>A, p.Ala502= (NM_001005735.3); c.714T>A, p.Ala238= (NM_001257387.3); c.1176T>A, p.Ala392= (NM_001349956.3); c.1290T>A, p.Ala430= (NM_145862.3).
Identifiers: ClinVar variation 184136 (VCV000184136.6), dbSNP rs786201296, ClinGen allele CA187926.